The following is an entry in ClinVar:

ClinVar aggregate classification (germline): Uncertain significance (1 of 4 stars; one submission).

Conditions:
Niemann-Pick disease, type C1. Also called: NEUROVISCERAL STORAGE DISEASE WITH VERTICAL SUPRANUCLEAR OPHTHALMOPLEGIA; NIEMANN-PICK DISEASE WITH CHOLESTEROL ESTERIFICATION BLOCK; NIEMANN-PICK DISEASE WITHOUT SPHINGOMYELINASE DEFICIENCY; NIEMANN-PICK DISEASE, CHRONIC NEURONOPATHIC FORM; NIEMANN-PICK DISEASE, VARIANT TYPE C1. Identifiers: Orphanet 646, MedGen C3179455, MONDO:0009757, OMIM 257220.

Submission:

Labcorp Genetics (formerly Invitae), Labcorp
Classification: Uncertain significance for Niemann-Pick disease, type C1. Last evaluated: 2022-08-22. Review status: criteria provided, single submitter. Criteria: Invitae Variant Classification Sherloc (09022015). Collection method: clinical testing. Allele origin: germline.
Comment: This variant results in a copy number gain of the genomic region encompassing exon(s) 1-7 of the NPC1 gene. This region includes the initiator codon of the gene. This copy number gain extends beyond the assayed region for this gene and therefore may encompass additional genes. As the precise location of this event is unknown, it may be in tandem or it may be located elsewhere in the genome. This variant has not been reported in the literature in individuals affected with NPC1-related conditions. In summary, the available evidence is currently insufficient to determine the role of this variant in disease. Therefore, it has been classified as a Variant of Uncertain Significance.

NC_000018.9:g.(?_21137061)_(21166307_?)dup

Gene: NPC1 (NPC intracellular cholesterol transporter 1; minus strand). Cytogenetic location: 18q11.2.
Variant type: Duplication.
Identifiers: ClinVar variation 1472331 (VCV001472331.4).